The following is an entry in ClinVar:

ClinVar aggregate classification (germline): Uncertain significance (1 of 4 stars; one submission).

gnomAD v4.1: 4 of 1,614,204 alleles (0.00025%); highest among the groups gnomAD compares: Non-Finnish European, 0.00025%; no homozygotes.

Submission:

Labcorp Genetics (formerly Invitae), Labcorp
Classification: Uncertain significance. Last evaluated: 2025-12-09. Review status: criteria provided, single submitter. Criteria: Invitae Variant Classification Sherloc (09022015). Collection method: clinical testing. Allele origin: germline.
Comment: This sequence change replaces leucine, which is neutral and non-polar, with arginine, which is basic and polar, at codon 51 of the CACNA1D protein (p.Leu51Arg). This variant is not present in population databases (gnomAD no frequency). This variant has not been reported in the literature in individuals affected with CACNA1D-related conditions. An algorithm developed to predict the effect of missense changes on protein structure and function (PolyPhen-2) suggests that this variant is likely to be disruptive. In summary, the available evidence is currently insufficient to determine the role of this variant in disease. Therefore, it has been classified as a Variant of Uncertain Significance.

NM_001128840.3(CACNA1D):c.152T>G (p.Leu51Arg)

Gene: CACNA1D (calcium voltage-gated channel subunit alpha1 D; plus strand). Cytogenetic location: 3p21.1.
Variant type: single nucleotide variant.
Coding change: c.152T>G on transcript NM_001128840.3 (MANE Select); coding-DNA position 152, T replaced by G.
Protein change: p.Leu51Arg; replaces leucine 51 with arginine.
Molecular consequence: missense variant.
Genome position (GRCh38, 1-based): chr3:53,497,236, T>G. VCF-style: chr3-53497236-T-G. GRCh37 (hg19) VCF-style: chr3-53531263-T-G.
Other names: c.152T>G, p.Leu51Arg (NM_000720.4, NM_001128839.3); short protein forms L51R.
Identifiers: ClinVar variation 4762780 (VCV004762780.1).